The following is an entry in ClinVar:

ClinVar aggregate classification (germline): Benign (1 of 4 stars; one submission).

Allele frequency attached by ClinVar (database versions not stated): ExAC 0.13668; ESP Exome Variant Server 0.13772; TOPMed 0.19267; 1000 Genomes Project 0.28874; 1000 Genomes Project 30x 0.28935.
gnomAD v4.1: 116,938 of 1,611,876 alleles (7.3%); highest among the groups gnomAD compares: African/African-American, 44%; 14,966 homozygotes.

Submission:

Unidad de Genómica Garrahan, Hospital de Pediatría Garrahan
Classification: Benign. Last evaluated: 2024-01-24. Review status: criteria provided, single submitter. Criteria: ACMG Guidelines, 2015. Collection method: clinical testing. Allele origin: germline. Affected: no. Observed: 27 variant alleles.
Comment: This variant is classified as Benign based on local population frequency. This variant was detected in 28% of patients studied by a panel of primary immunodeficiencies. Number of patients: 27. Only high quality variants are reported.

NM_001170535.3(ATAD3A):c.282+21T>C

Gene: ATAD3A (ATPase family AAA domain containing 3A; plus strand). Cytogenetic location: 1p36.33.
Variant type: single nucleotide variant.
Coding change: c.282+21T>C on transcript NM_001170535.3 (MANE Select); 21 bases into the intron after coding-DNA position 282, T replaced by C.
Molecular consequence: intron variant.
Genome position (GRCh38, 1-based): chr1:1,516,109, T>C. VCF-style: chr1-1516109-T-C. GRCh37 (hg19) VCF-style: chr1-1451489-T-C.
Other names: c.282+21T>C (NM_018188.5); c.45+21T>C (NM_001170536.3).
Identifiers: ClinVar variation 2688263 (VCV002688263.2), dbSNP rs9439459, ClinGen allele CA525656.